The following is an entry in ClinVar:

ClinVar aggregate classification (germline): Pathogenic (1 of 4 stars; one submission).

Conditions:
Fanconi anemia (FA). Also called: Fanconi's anemia. Identifiers: Orphanet 84, MedGen C0015625, MeSH D005199, MONDO:0019391.

Allele frequency attached by ClinVar (database versions not stated): gnomAD exomes 0.00001.
gnomAD v4.1: 4 of 1,613,826 alleles (0.00025%); highest among the groups gnomAD compares: Admixed American, 0.0067%; no homozygotes.

Submission:

Labcorp Genetics (formerly Invitae), Labcorp
Classification: Pathogenic for Fanconi anemia. Last evaluated: 2025-08-03. Review status: criteria provided, single submitter. Criteria: Invitae Variant Classification Sherloc (09022015). Collection method: clinical testing. Allele origin: germline.
Comment: This sequence change creates a premature translational stop signal (p.Gln1883*) in the FANCM gene. It is expected to result in an absent or disrupted protein product. Loss-of-function variants in FANCM are known to be pathogenic (PMID: 29895858, 30075111). This variant is present in population databases (no rsID available, gnomAD 0.006%). This variant has not been reported in the literature in individuals affected with FANCM-related conditions. ClinVar contains an entry for this variant (Variation ID: 839966). Algorithms developed to predict the effect of sequence changes on RNA splicing suggest that this variant may disrupt the consensus splice site. For these reasons, this variant has been classified as Pathogenic.

Literature cited by the submitters: PubMed 29895858; PubMed 30075111.

NM_020937.4(FANCM):c.5647C>T (p.Gln1883Ter)

Gene: FANCM (FA complementation group M; plus strand). Cytogenetic location: 14q21.2.
Variant type: single nucleotide variant.
Coding change: c.5647C>T on transcript NM_020937.4 (MANE Select); coding-DNA position 5647, C replaced by T.
Protein change: p.Gln1883Ter; replaces glutamine 1883 with a stop codon.
Molecular consequence: nonsense.
Genome position (GRCh38, 1-based): chr14:45,196,478, C>T. VCF-style: chr14-45196478-C-T. GRCh37 (hg19) VCF-style: chr14-45665681-C-T.
Other names: c.5569C>T, p.Gln1857Ter (NM_001308133.2); short protein forms Q1857*, Q1883*.
Identifiers: ClinVar variation 839966 (VCV000839966.7), dbSNP rs1379375089, ClinGen allele CA389586328.